The following is an entry in ClinVar:

NM_000660.7(TGFB1):c.85G>C (p.Gly29Arg)

Gene: TGFB1 (transforming growth factor beta 1; minus strand). Cytogenetic location: 19q13.2.
Variant type: single nucleotide variant.
Coding change: c.85G>C on transcript NM_000660.7 (MANE Select); coding-DNA position 85, G replaced by C.
Protein change: p.Gly29Arg; replaces glycine 29 with arginine.
Molecular consequence: missense variant.
Genome position (GRCh38, 1-based): chr19:41,352,960, C>G on the plus strand (G>C on the coding strand, the complement: TGFB1 is on the minus strand). VCF-style: chr19-41352960-C-G. GRCh37 (hg19) VCF-style: chr19-41858865-C-G.
Other names: short protein forms G29R.
Identifiers: ClinVar variation 1358332 (VCV001358332.6), dbSNP rs200868154, ClinGen allele CA308518692.

ClinVar aggregate classification (germline): Uncertain significance (1 of 4 stars; one submission).

gnomAD v4.1: 18 of 1,546,814 alleles (0.0012%); highest among the groups gnomAD compares: Admixed American, 0.0019%; no homozygotes.

Submission:

Labcorp Genetics (formerly Invitae), Labcorp
Classification: Uncertain significance. Last evaluated: 2025-08-06. Review status: criteria provided, single submitter. Criteria: Invitae Variant Classification Sherloc (09022015). Collection method: clinical testing. Allele origin: germline.
Comment: This sequence change replaces glycine, which is neutral and non-polar, with arginine, which is basic and polar, at codon 29 of the TGFB1 protein (p.Gly29Arg). This variant is present in population databases (no rsID available, gnomAD 0.004%). This variant has not been reported in the literature in individuals affected with TGFB1-related conditions. ClinVar contains an entry for this variant (Variation ID: 1358332). An algorithm developed to predict the effect of missense changes on protein structure and function (PolyPhen-2) suggests that this variant is likely to be disruptive. In summary, the available evidence is currently insufficient to determine the role of this variant in disease. Therefore, it has been classified as a Variant of Uncertain Significance.